The following is an entry in ClinVar:

ClinVar aggregate classification (germline): Uncertain significance (1 of 4 stars; one submission).

gnomAD v4.1: 5 of 1,597,416 alleles (0.00031%); highest among the groups gnomAD compares: South Asian, 0.0045%; 1 homozygote.

Submission:

Women's Health and Genetics/Laboratory Corporation of America, LabCorp
Classification: Uncertain significance. Last evaluated: 2026-06-11. Review status: criteria provided, single submitter. Criteria: LabCorp Variant Classification Summary - May 2015. Collection method: clinical testing. Allele origin: germline.
Comment: Variant summary: SH2D2A c.-5C>A is located in the untranslated mRNA region upstream of the initiation codon. The variant allele was found at a frequency of 8.5e-06 in 235776 control chromosomes. The available data on variant occurrences in the general population are insufficient to allow any conclusion about variant significance. To our knowledge, no occurrence of c.-5C>A in individuals affected with SH2D2A-related conditions and no experimental evidence demonstrating its impact on protein function have been reported. No submitters have cited clinical-significance assessments for this variant to ClinVar. Based on the evidence outlined above, the variant was classified as uncertain significance.

NM_003975.4(SH2D2A):c.-5C>A

Genes: NTRK1 (neurotrophic receptor tyrosine kinase 1; plus strand), SH2D2A (SH2 domain containing 2A; minus strand). Cytogenetic location: 1q23.1.
Variant type: single nucleotide variant.
Coding change: c.-5C>A on transcript NM_003975.4 (MANE Select); 5 bases upstream of the start codon, C replaced by A.
Molecular consequence: 5 prime UTR variant. On other transcripts: intron variant (1).
Genome position (GRCh38, 1-based): chr1:156,816,713, G>T on the plus strand (C>A on the coding strand, the complement: SH2D2A is on the minus strand). VCF-style: chr1-156816713-G-T. GRCh37 (hg19) VCF-style: chr1-156786505-G-T.
Other names: c.-5C>A (NM_001161441.2, NM_001161444.2); c.-28C>A (NM_001161442.2); c.9+875G>T (NM_001007792.1).
Identifiers: ClinVar variation 4887332 (VCV004887332.1).